The following is an entry in ClinVar:

ClinVar aggregate classification (germline): Uncertain significance (1 of 4 stars; one submission).

Conditions:
Inborn genetic diseases. Identifiers: MedGen C0950123, MeSH D030342.

gnomAD v4.1: 2 of 1,613,882 alleles (0.00012%); highest among the groups gnomAD compares: Non-Finnish European, 0.00017%; no homozygotes.

Submission:

Ambry Genetics
Classification: Uncertain significance for Inborn genetic diseases. Last evaluated: 2025-02-07. Review status: criteria provided, single submitter. Criteria: Ambry Variant Classification Scheme 2023. Collection method: clinical testing. Allele origin: germline.
Comment: The p.H85R variant (also known as c.254A>G), located in coding exon 2 of the G6PC3 gene, results from an A to G substitution at nucleotide position 254. The histidine at codon 85 is replaced by arginine, an amino acid with highly similar properties. This amino acid position is conserved. In addition, this alteration is predicted to be tolerated by in silico analysis. Based on the available evidence, the clinical significance of this variant remains unclear.

NM_138387.4(G6PC3):c.254A>G (p.His85Arg)

Gene: G6PC3 (glucose-6-phosphatase catalytic subunit 3; plus strand). Cytogenetic location: 17q21.31.
Variant type: single nucleotide variant.
Coding change: c.254A>G on transcript NM_138387.4 (MANE Select); coding-DNA position 254, A replaced by G.
Protein change: p.His85Arg; replaces histidine 85 with arginine.
Molecular consequence: missense variant. On other transcripts: 5 prime UTR variant (4).
Genome position (GRCh38, 1-based): chr17:44,074,195, A>G. VCF-style: chr17-44074195-A-G. GRCh37 (hg19) VCF-style: chr17-42151563-A-G.
Other names: c.254A>G, p.His85Arg (NM_001319945.2); c.-92A>G (NM_001384165.1, NM_001384166.1, NM_001384167.1 and 1 more transcripts); short protein forms H85R.
Identifiers: ClinVar variation 3852365 (VCV003852365.1).